The following is an entry in ClinVar:

ClinVar aggregate classification (germline): Uncertain significance. Review status: criteria provided, multiple submitters, no conflicts (2 of 4 stars). 2 submissions from 2 submitters: Uncertain significance (2). Last evaluated 2026-08-12.

Conditions:
LRRC45-related disorder. Also called: LRRC45-related condition.

gnomAD v4.1: 22 of 1,535,478 alleles (0.0014%); highest among the groups gnomAD compares: East Asian, 0.02%; no homozygotes.

Submissions (2):

PreventionGenetics, part of Exact Sciences
Classification: Uncertain significance for LRRC45-related condition. Last evaluated: 2026-08-12. Review status: criteria provided, single submitter. Criteria: ACMG Guidelines, 2015. Collection method: clinical testing. Allele origin: germline.
Comment: The LRRC45 c.1649G>A variant is predicted to result in the amino acid substitution p.Arg550His. To our knowledge, this variant has not been reported in the literature. This variant is reported in 0.025% of alleles in individuals of East Asian descent in gnomAD. At this time, the clinical significance of this variant is uncertain due to the absence of conclusive functional and genetic evidence.

Ambry Genetics
Classification: Uncertain significance. Last evaluated: 2024-08-12. Review status: criteria provided, single submitter. Criteria: Ambry Variant Classification Scheme 2023. Collection method: clinical testing. Allele origin: germline.

NM_144999.4(LRRC45):c.1649G>A (p.Arg550His)

Gene: LRRC45 (leucine rich repeat containing 45; plus strand). Cytogenetic location: 17q25.3.
Variant type: single nucleotide variant.
Coding change: c.1649G>A on transcript NM_144999.4 (MANE Select); coding-DNA position 1649, G replaced by A.
Protein change: p.Arg550His; replaces arginine 550 with histidine.
Molecular consequence: missense variant.
Genome position (GRCh38, 1-based): chr17:82,030,219, G>A. VCF-style: chr17-82030219-G-A. GRCh37 (hg19) VCF-style: chr17-79988095-G-A.
Other names: c.1649G>A (NM_144999.3); short protein forms R550H.
Identifiers: ClinVar variation 3540115 (VCV003540115.2).